The following is an entry in ClinVar:

ClinVar aggregate classification (germline): Uncertain significance (1 of 4 stars; one submission).

Conditions:
Familial focal epilepsy with variable foci (FPEVF). Identifiers: Orphanet 98820, MedGen C1858477, MONDO:0020310.

Submission:

Labcorp Genetics (formerly Invitae), Labcorp
Classification: Uncertain significance for Familial focal epilepsy with variable foci. Last evaluated: 2020-02-09. Review status: criteria provided, single submitter. Criteria: Invitae Variant Classification Sherloc (09022015). Collection method: clinical testing. Allele origin: germline.
Comment: In summary, the available evidence is currently insufficient to determine the role of this variant in disease. Therefore, it has been classified as a Variant of Uncertain Significance. Algorithms developed to predict the effect of missense changes on protein structure and function are either unavailable or do not agree on the potential impact of this missense change (SIFT: "Tolerated"; PolyPhen-2: "Not Available"; Align-GVGD: "Class C0"). This variant has not been reported in the literature in individuals with DEPDC5-related conditions. This variant is not present in population databases (ExAC no frequency). This sequence change replaces glutamine with proline at codon 75 of the DEPDC5 protein (p.Gln75Pro). The glutamine residue is highly conserved and there is a moderate physicochemical difference between glutamine and proline.

NM_001242896.3(DEPDC5):c.224A>C (p.Gln75Pro)

Gene: DEPDC5 (DEP domain containing 5, GATOR1 subcomplex subunit; plus strand). Cytogenetic location: 22q12.2.
Variant type: single nucleotide variant.
Coding change: c.224A>C on transcript NM_001242896.3 (MANE Select); coding-DNA position 224, A replaced by C.
Protein change: p.Gln75Pro; replaces glutamine 75 with proline.
Molecular consequence: missense variant. On other transcripts: non-coding transcript variant (5).
Genome position (GRCh38, 1-based): chr22:31,765,005, A>C. VCF-style: chr22-31765005-A-C. GRCh37 (hg19) VCF-style: chr22-32160991-A-C.
Other names: c.224A>C, p.Gln75Pro (NM_001007188.4, NM_001136029.4, NM_001242897.2 and 9 more transcripts); short protein forms Q75P.
Identifiers: ClinVar variation 842062 (VCV000842062.10), dbSNP rs2082695082, ClinGen allele CA411281331.